The following is an entry in ClinVar:

NM_001242896.3(DEPDC5):c.1234_1235delinsTA (p.Ser412Tyr)

Gene: DEPDC5 (DEP domain containing 5, GATOR1 subcomplex subunit; plus strand). Cytogenetic location: 22q12.3.
Variant type: Indel.
Coding change: c.1234_1235delinsTA on transcript NM_001242896.3 (MANE Select); coding-DNA positions 1234 to 1235, AG replaced by TA.
Protein change: p.Ser412Tyr; replaces serine 412 with tyrosine.
Molecular consequence: missense variant. On other transcripts: non-coding transcript variant (5).
Genome position (GRCh38, 1-based): chr22:31,806,138-31,806,139, AG replaced by TA. VCF-style: chr22-31806138-AG-TA. GRCh37 (hg19) VCF-style: chr22-32202124-AG-TA.
Other names: c.1234_1235delAGinsTA (NM_001242896.1); c.1234_1235delinsTA, p.Ser412Tyr (NM_001007188.4, NM_001136029.4, NM_001242897.2 and 7 more transcripts); c.1150_1151delinsTA, p.Ser384Tyr (NM_001369901.1, NM_001369902.1); short protein forms S412Y, S384Y.
Identifiers: ClinVar variation 654370 (VCV000654370.11), dbSNP rs1602010588, ClinGen allele CA915952309.

ClinVar aggregate classification (germline): Uncertain significance. Review status: criteria provided, multiple submitters, no conflicts (2 of 4 stars). 2 submissions from 2 submitters: Uncertain significance (2). Last evaluated 2025-05-01.

Conditions:
Familial focal epilepsy with variable foci (FPEVF). Identifiers: Orphanet 98820, MedGen C1858477, MONDO:0020310.
Inborn genetic diseases. Identifiers: MedGen C0950123, MeSH D030342.

Submissions (2):

Ambry Genetics
Classification: Uncertain significance for Inborn genetic diseases. Last evaluated: 2025-05-01. Review status: criteria provided, single submitter. Criteria: Ambry Variant Classification Scheme 2023. Collection method: clinical testing. Allele origin: germline.
Comment: The c.1234_1235delAGinsTA (p.S412Y) alteration, located in exon 18 (coding exon 17) of the DEPDC5 gene, consists of an in-frame substitution of 2 nucleotides from position 1234 to 1235, resulting in the insertion of 1 residue. Based on insufficient or conflicting evidence, the clinical significance of this alteration remains unclear.

Labcorp Genetics (formerly Invitae), Labcorp
Classification: Uncertain significance for Familial focal epilepsy with variable foci. Last evaluated: 2024-12-15. Review status: criteria provided, single submitter. Criteria: Invitae Variant Classification Sherloc (09022015). Collection method: clinical testing. Allele origin: germline.
Comment: This sequence change replaces serine, which is neutral and polar, with tyrosine, which is neutral and polar, at codon 412 of the DEPDC5 protein (p.Ser412Tyr). This variant is present in population databases (no rsID available, gnomAD 0.002%). This variant has not been reported in the literature in individuals affected with DEPDC5-related conditions. ClinVar contains an entry for this variant (Variation ID: 654370). Experimental studies and prediction algorithms are not available or were not evaluated, and the functional significance of this variant is currently unknown. In summary, the available evidence is currently insufficient to determine the role of this variant in disease. Therefore, it has been classified as a Variant of Uncertain Significance.

Literature cited by the submitters: PubMed 31440721 (cited by Ambry Genetics).